The following is an entry in ClinVar:

NM_006663.4(PPP1R13L):c.1140C>T (p.Asn380=)

Gene: PPP1R13L (protein phosphatase 1 regulatory subunit 13 like; minus strand). Cytogenetic location: 19q13.32.
Variant type: single nucleotide variant.
Coding change: c.1140C>T on transcript NM_006663.4 (MANE Select); coding-DNA position 1140, C replaced by T.
Protein change: p.Asn380=; no amino-acid change (asparagine 380 retained).
Molecular consequence: synonymous variant.
Genome position (GRCh38, 1-based): chr19:45,395,650, G>A on the plus strand (C>T on the coding strand, the complement: PPP1R13L is on the minus strand). VCF-style: chr19-45395650-G-A. GRCh37 (hg19) VCF-style: chr19-45898908-G-A.
Other names: c.1140C>T, p.Asn380= (NM_001142502.2).
Identifiers: ClinVar variation 5037790 (VCV005037790.1), dbSNP rs753154978.

ClinVar aggregate classification (germline): Likely benign (1 of 4 stars; one submission).

Submission:

Molecular Diagnostic Laboratory for Inherited Cardiovascular Disease, Montreal Heart Institute
Classification: Likely benign. Last evaluated: 2026-09-21. Review status: criteria provided, single submitter. Criteria: ACMG Guidelines, 2015. Collection method: clinical testing. Allele origin: germline. Affected: no.
Comment: BS1;BP7